The following is an entry in ClinVar:

NM_017739.4(POMGNT1):c.1591A>C (p.Arg531=)

Genes: POMGNT1 (protein O-linked mannose N-acetylglucosaminyltransferase 1 (beta 1,2-); minus strand), TSPAN1 (tetraspanin 1; plus strand). Cytogenetic location: 1p34.1.
Variant type: single nucleotide variant.
Coding change: c.1591A>C on transcript NM_017739.4 (MANE Select); coding-DNA position 1591, A replaced by C.
Protein change: p.Arg531=; no amino-acid change (arginine 531 retained).
Molecular consequence: synonymous variant.
Genome position (GRCh38, 1-based): chr1:46,190,733, T>G on the plus strand (A>C on the coding strand, the complement: POMGNT1 is on the minus strand). VCF-style: chr1-46190733-T-G. GRCh37 (hg19) VCF-style: chr1-46656405-T-G.
Other names: c.1591A>C, p.Arg531= (NM_001243766.2, NM_001410783.1); c.1525A>C, p.Arg509= (NM_001290129.3); c.1162A>C, p.Arg388= (NM_001290130.2).
Identifiers: ClinVar variation 737381 (VCV000737381.27), dbSNP rs1282014120, ClinGen allele CA417718052.

ClinVar aggregate classification (germline): Likely benign. Review status: criteria provided, multiple submitters, no conflicts (2 of 4 stars). 2 submissions from 2 submitters: Likely benign (2). Last evaluated 2023-02-01.

Submissions (2):

CeGaT Center for Human Genetics Tuebingen
Classification: Likely benign. Last evaluated: 2023-02-01. Review status: criteria provided, single submitter. Criteria: CeGaT Center For Human Genetics Tuebingen Variant Classification Criteria Version 2. Collection method: clinical testing. Allele origin: germline. Affected: yes. Observed: 1 variant allele.
Comment: POMGNT1: PM2:Supporting, BP4, BP7

Labcorp Genetics (formerly Invitae), Labcorp
Classification: Likely benign. Last evaluated: 2018-07-22. Review status: criteria provided, single submitter. Criteria: Invitae Variant Classification Sherloc (09022015). Collection method: clinical testing. Allele origin: germline.